The following is an entry in ClinVar:

NM_001369268.1(ACAN):c.905T>C (p.Leu302Pro)

Gene: ACAN (aggrecan; plus strand). Cytogenetic location: 15q26.1.
Variant type: single nucleotide variant.
Coding change: c.905T>C on transcript NM_001369268.1 (MANE Select); coding-DNA position 905, T replaced by C.
Protein change: p.Leu302Pro; replaces leucine 302 with proline.
Molecular consequence: missense variant.
Genome position (GRCh38, 1-based): chr15:88,843,502, T>C. VCF-style: chr15-88843502-T-C. GRCh37 (hg19) VCF-style: chr15-89386733-T-C.
Other names: c.905T>C, p.Leu302Pro (NM_001135.4, NM_001411096.1, NM_001411097.1 and 1 more transcripts); short protein forms L302P.
Identifiers: ClinVar variation 2572622 (VCV002572622.1), dbSNP rs1430909928, ClinGen allele CA393707801.

ClinVar aggregate classification (germline): Likely pathogenic (1 of 4 stars; one submission).

Conditions:
Short stature and advanced bone age, with or without early-onset osteoarthritis and/or osteochondritis dissecans (SSOAOD). Identifiers: Orphanet 251262, MedGen C3665488, MONDO:0100462, OMIM 165800.

Allele frequency attached by ClinVar (database versions not stated): gnomAD exomes below 0.00001.
gnomAD v4.1: 1 of 1,612,326 alleles (0.000062%); no homozygotes.

Submission:

Laboratory of Medical Genetics, National & Kapodistrian University of Athens
Classification: Likely pathogenic for Short stature and advanced bone age, with or without early-onset osteoarthritis and/or osteochondritis dissecans. Last evaluated: 2022-10-18. Review status: criteria provided, single submitter. Criteria: ACMG Guidelines, 2015. Collection method: clinical testing. Allele origin: de novo. Affected: yes.
Comment: PS2, PM2, PP3